The following is an entry in ClinVar:

NM_033064.5(ATCAY):c.1005G>A (p.Ala335=)

Gene: ATCAY (ATCAY kinesin light chain interacting caytaxin; plus strand). Cytogenetic location: 19p13.3.
Variant type: single nucleotide variant.
Coding change: c.1005G>A on transcript NM_033064.5 (MANE Select); coding-DNA position 1005, G replaced by A.
Protein change: p.Ala335=; no amino-acid change (alanine 335 retained).
Molecular consequence: synonymous variant.
Genome position (GRCh38, 1-based): chr19:3,918,809, G>A. VCF-style: chr19-3918809-G-A. GRCh37 (hg19) VCF-style: chr19-3918807-G-A.
Identifiers: ClinVar variation 3353680 (VCV003353680.1).

ClinVar aggregate classification (germline): Likely benign (0 of 4 stars; one submission).

Conditions:
ATCAY-related disorder. Also called: ATCAY-related condition.

gnomAD v4.1: 36 of 1,613,862 alleles (0.0022%); highest among the groups gnomAD compares: East Asian, 0.013%; no homozygotes.

Submission:

PreventionGenetics, part of Exact Sciences
Classification: Likely benign for ATCAY-related condition. Last evaluated: 2019-11-25. Review status: no assertion criteria provided. Collection method: clinical testing. Allele origin: germline.
Comment: This variant is classified as likely benign based on ACMG/AMP sequence variant interpretation guidelines (Richards et al. 2015 PMID: 25741868, with internal and published modifications).